The following is an entry in ClinVar:

NM_001330360.2(POLA1):c.1649T>C (p.Met550Thr)

Gene: POLA1 (DNA polymerase alpha 1, catalytic subunit; plus strand). Cytogenetic location: Xp22.11.
Variant type: single nucleotide variant.
Coding change: c.1649T>C on transcript NM_001330360.2 (MANE Select); coding-DNA position 1649, T replaced by C.
Protein change: p.Met550Thr; replaces methionine 550 with threonine.
Molecular consequence: missense variant. On other transcripts: non-coding transcript variant (2).
Genome position (GRCh38, 1-based): chrX:24,727,899, T>C. VCF-style: chrX-24727899-T-C. GRCh37 (hg19) VCF-style: chrX-24746016-T-C.
Other names: c.1574T>C, p.Met525Thr (NM_001378303.1); c.1631T>C, p.Met544Thr (NM_016937.4); short protein forms M544T, M525T, M550T.
Identifiers: ClinVar variation 2870865 (VCV002870865.3), dbSNP rs1602290197, ClinGen allele CA412534363.

ClinVar aggregate classification (germline): Uncertain significance (1 of 4 stars; one submission).

Allele frequency attached by ClinVar (database versions not stated): TOPMed below 0.00001.

Submission:

Labcorp Genetics (formerly Invitae), Labcorp
Classification: Uncertain significance. Last evaluated: 2024-04-06. Review status: criteria provided, single submitter. Criteria: Invitae Variant Classification Sherloc (09022015). Collection method: clinical testing. Allele origin: germline.
Comment: This sequence change replaces methionine, which is neutral and non-polar, with threonine, which is neutral and polar, at codon 544 of the POLA1 protein (p.Met544Thr). This variant is not present in population databases (gnomAD no frequency). This variant has not been reported in the literature in individuals affected with POLA1-related conditions. Advanced modeling of protein sequence and biophysical properties (such as structural, functional, and spatial information, amino acid conservation, physicochemical variation, residue mobility, and thermodynamic stability) performed at Invitae indicates that this missense variant is not expected to disrupt POLA1 protein function with a negative predictive value of 80%. In summary, the available evidence is currently insufficient to determine the role of this variant in disease. Therefore, it has been classified as a Variant of Uncertain Significance.